The following is an entry in ClinVar:

NM_004444.5(EPHB4):c.1436C>T (p.Pro479Leu)

Gene: EPHB4 (EPH receptor B4; minus strand). Cytogenetic location: 7q22.1.
Variant type: single nucleotide variant.
Coding change: c.1436C>T on transcript NM_004444.5 (MANE Select); coding-DNA position 1436, C replaced by T.
Protein change: p.Pro479Leu; replaces proline 479 with leucine.
Molecular consequence: missense variant.
Genome position (GRCh38, 1-based): chr7:100,817,344, G>A on the plus strand (C>T on the coding strand, the complement: EPHB4 is on the minus strand). VCF-style: chr7-100817344-G-A. GRCh37 (hg19) VCF-style: chr7-100414966-G-A.
Other names: p.Pro479Leu; short protein forms P479L.
Identifiers: ClinVar variation 3379782 (VCV003379782.1).

ClinVar aggregate classification (germline): Uncertain significance (1 of 4 stars; one submission).

gnomAD v4.1: 3 of 1,574,204 alleles (0.00019%); highest among the groups gnomAD compares: Non-Finnish European, 0.00026%; no homozygotes.

Submission:

Mayo Clinic Laboratories, Mayo Clinic
Classification: Uncertain significance. Last evaluated: 2024-05-31. Review status: criteria provided, single submitter. Criteria: ACMG Guidelines, 2015. Collection method: clinical testing. Allele origin: germline. Observed: 1 variant allele.
Comment: BP4